The following is an entry in ClinVar:

NM_006393.3(NEBL):c.1028A>T (p.Tyr343Phe)

Gene: NEBL (nebulette; minus strand). Cytogenetic location: 10p12.31.
Variant type: single nucleotide variant.
Coding change: c.1028A>T on transcript NM_006393.3 (MANE Select); coding-DNA position 1028, A replaced by T.
Protein change: p.Tyr343Phe; replaces tyrosine 343 with phenylalanine.
Molecular consequence: missense variant. On other transcripts: intron variant (9).
Genome position (GRCh38, 1-based): chr10:20,850,483, T>A on the plus strand (A>T on the coding strand, the complement: NEBL is on the minus strand). VCF-style: chr10-20850483-T-A. GRCh37 (hg19) VCF-style: chr10-21139412-T-A.
Other names: c.250-37543A>T (NM_001377326.1, NM_001377327.1, NM_001377328.1); c.358-37543A>T (NM_213569.2, NM_001173484.2, NM_001377322.1); c.301-37543A>T (NM_001377324.1); c.292-37543A>T (NM_001377325.1); c.310-37543A>T (NM_001377323.1); short protein forms Y343F.
Identifiers: ClinVar variation 3684113 (VCV003684113.2).
Genomic context (GRCh38, chr10:20,850,483, plus strand): 5'-GAAGCTTGATATGATGGTGTCTCAACAAATTCAAGCATTGGCTTTCCCTTATTTTTCTCA[T>A]ATTCTTCTTTATATTTCACCTTCATTGGAAAAAGAAAAGCATATACAAATCGAAAGTCCT-3'
Protein context (NP_006384.1, residues 333-353): LQSQVKYKEE[Tyr343Phe]EKNKGKPMLE

ClinVar aggregate classification (germline): Uncertain significance (1 of 4 stars; one submission).

Conditions:
Primary dilated cardiomyopathy (DCM). Also called: Dilated Cardiomyopathy. Identifiers: Orphanet 217604, MedGen C0007193, MeSH D002311, MONDO:0005021, HP:0001644. Inheritance: Various modes of inheritance.

gnomAD v4.1: 10 of 1,600,578 alleles (0.00062%); highest among the groups gnomAD compares: Non-Finnish European, 0.00086%; no homozygotes.

Submission:

Labcorp Genetics (formerly Invitae), Labcorp
Classification: Uncertain significance for Primary dilated cardiomyopathy. Last evaluated: 2024-07-11. Review status: criteria provided, single submitter. Criteria: Invitae Variant Classification Sherloc (09022015). Collection method: clinical testing. Allele origin: germline.
Comment: This sequence change replaces tyrosine, which is neutral and polar, with phenylalanine, which is neutral and non-polar, at codon 343 of the NEBL protein (p.Tyr343Phe). This variant is not present in population databases (gnomAD no frequency). This variant has not been reported in the literature in individuals affected with NEBL-related conditions. An algorithm developed to predict the effect of missense changes on protein structure and function (PolyPhen-2) suggests that this variant is likely to be disruptive. In summary, the available evidence is currently insufficient to determine the role of this variant in disease. Therefore, it has been classified as a Variant of Uncertain Significance.